The following is an entry in ClinVar:

NM_001038603.3(MARVELD2):c.1224dup (p.Val409fs)

Gene: MARVELD2 (MARVEL domain containing 2; plus strand). Cytogenetic location: 5q13.2.
Variant type: Duplication.
Coding change: c.1224dup on transcript NM_001038603.3 (MANE Select); coding-DNA position 1224, one base duplicated (A; older notation c.1224dupA).
Protein change: p.Val409fs; shifts the reading frame from valine 409.
Molecular consequence: frameshift variant.
Genome position (GRCh38, 1-based): chr5:69,432,568, A duplicated; the last of 2 consecutive A bases (chr5:69,432,567-69,432,568); duplicating either gives the same sequence. VCF-style (leftmost placement, unchanged base first): chr5-69432566-G-GA. GRCh37 (hg19) VCF-style: chr5-68728393-G-GA.
Other names: c.1188dup, p.Val397fs (NM_001244734.2); c.1224dupA (NM_001038603.2); short protein forms V397fs, V409fs.
Identifiers: ClinVar variation 560893 (VCV000560893.2), dbSNP rs1561299289, ClinGen allele CA658822130.

ClinVar aggregate classification (germline): Pathogenic/Likely pathogenic. Review status: no assertion criteria provided (0 of 4 stars). 2 submissions from 2 submitters: Pathogenic (1); Likely pathogenic (1). Last evaluated 2018-09-10.

Conditions:
Hearing loss, autosomal recessive. Also called: Rare autosomal recessive non-syndromic sensorineural deafness type DFNB; Autosomal recessive nonsyndromic deafness; Nonsyndromic Hearing Loss, Recessive; Deafness, autosomal recessive. Identifiers: Orphanet 90635, Orphanet 90636, MedGen C1846647, MONDO:0019588, OMIM 607197.
Deafness. Identifiers: MedGen C0011053.

Submissions (2):

Center for Statistical Genetics, Columbia University
Classification: Pathogenic for Deafness. Last evaluated: 2018-09-10. Review status: no assertion criteria provided. Collection method: research. Allele origin: inherited. Affected: yes.
Comment: Autosomal recessive

University of Washington Center for Mendelian Genomics, University of Washington
Classification: Likely pathogenic for non-syndromic autosomal recessive hearing loss. Review status: no assertion criteria provided. Collection method: research. Allele origin: inherited. Affected: yes.

Literature cited by the submitters: PubMed 30303587 (cited by University of Washington Center for Mendelian Genomics, University of Washington).